The following is an entry in ClinVar:

ClinVar aggregate classification (germline): Pathogenic (1 of 4 stars; one submission).

Conditions:
Bifunctional peroxisomal enzyme deficiency (DBIF). Also called: DBP DEFICIENCY; PBFE DEFICIENCY; D-bifunctional protein deficiency. Identifiers: Orphanet 300, MedGen C0342870, MONDO:0009855, OMIM 261515. Disease mechanism: loss of function.
Perrault syndrome. Also called: Gonadal dysgenesis with auditory dysfunction, autosomal recessive inheritance. Identifiers: Orphanet 2855, MedGen C0685838, MONDO:0017312.

Submission:

Labcorp Genetics (formerly Invitae), Labcorp
Classification: Pathogenic for Perrault syndrome; Bifunctional peroxisomal enzyme deficiency. Last evaluated: 2023-09-05. Review status: criteria provided, single submitter. Criteria: Invitae Variant Classification Sherloc (09022015). Collection method: clinical testing. Allele origin: germline.
Comment: For these reasons, this variant has been classified as Pathogenic. This variant has not been reported in the literature in individuals affected with HSD17B4-related conditions. This variant is not present in population databases (gnomAD no frequency). This sequence change creates a premature translational stop signal (p.Arg121Serfs*44) in the HSD17B4 gene. It is expected to result in an absent or disrupted protein product. Loss-of-function variants in HSD17B4 are known to be pathogenic (PMID: 11810648, 16385454, 20673864).

Literature cited by the submitters: PubMed 11810648; PubMed 16385454; PubMed 20673864.

NM_000414.4(HSD17B4):c.363_364del (p.Arg121fs)

Gene: HSD17B4 (hydroxysteroid 17-beta dehydrogenase 4; plus strand). Cytogenetic location: 5q23.1.
Variant type: Microsatellite.
Coding change: c.363_364del on transcript NM_000414.4 (MANE Select); coding-DNA positions 363 to 364, 2 bases deleted (AG; older notation c.363_364delAG).
Protein change: p.Arg121fs; shifts the reading frame from arginine 121.
Molecular consequence: frameshift variant. On other transcripts: 5 prime UTR variant (5), non-coding transcript variant (2).
Genome position (GRCh38, 1-based): chr5:119,477,430-119,477,431, AG deleted; deleting any 2 consecutive bases within chr5:119,477,428-119,477,431 gives the same sequence; the c. name uses the placement nearest the transcript's 3' end. VCF-style (leftmost placement, unchanged base first): chr5-119477427-CAG-C. GRCh37 (hg19) VCF-style: chr5-118813122-CAG-C.
Other names: c.438_439del, p.Arg146fs (NM_001199291.3); c.309_310del, p.Arg103fs (NM_001199292.2); c.291_292del, p.Arg97fs (NM_001292027.2); c.-51AG[1] (NM_001292028.2, NM_001374501.1, NM_001374502.1 and 1 more transcripts); c.363_364del, p.Arg121fs (NM_001374497.1, NM_001374498.1); c.36_37del, p.Arg12fs (NM_001374499.1); c.-178AG[1] (NM_001374500.1); short protein forms R103fs, R146fs, R97fs, R12fs, R121fs.
Identifiers: ClinVar variation 2951640 (VCV002951640.3), dbSNP rs2531619562, ClinGen allele CA2740094031.